The following is an entry in ClinVar:

NM_001184.4(ATR):c.4345C>T (p.His1449Tyr)

Gene: ATR (ATR checkpoint kinase; minus strand). Cytogenetic location: 3q23.
Variant type: single nucleotide variant.
Coding change: c.4345C>T on transcript NM_001184.4 (MANE Select); coding-DNA position 4345, C replaced by T.
Protein change: p.His1449Tyr; replaces histidine 1449 with tyrosine.
Molecular consequence: missense variant.
Genome position (GRCh38, 1-based): chr3:142,519,706, G>A on the plus strand (C>T on the coding strand, the complement: ATR is on the minus strand). VCF-style: chr3-142519706-G-A. GRCh37 (hg19) VCF-style: chr3-142238548-G-A.
Other names: c.4153C>T, p.His1385Tyr (NM_001354579.2); short protein forms H1385Y, H1449Y.
Identifiers: ClinVar variation 1739881 (VCV001739881.3), dbSNP rs376890858, ClinGen allele CA2649877.

ClinVar aggregate classification (germline): Uncertain significance. Review status: criteria provided, multiple submitters, no conflicts (2 of 4 stars). 2 submissions from 2 submitters: Uncertain significance (2). Last evaluated 2025-11-10.

Conditions:
Inborn genetic diseases. Identifiers: MedGen C0950123, MeSH D030342.

Allele frequency attached by ClinVar (database versions not stated): TOPMed below 0.00001; ExAC 0.00001; ESP Exome Variant Server 0.00008.
gnomAD v4.1: 22 of 1,613,920 alleles (0.0014%); highest among the groups gnomAD compares: Non-Finnish European, 0.0014%; no homozygotes.

Submissions (2):

Labcorp Genetics (formerly Invitae), Labcorp
Classification: Uncertain significance. Last evaluated: 2025-11-10. Review status: criteria provided, single submitter. Criteria: Invitae Variant Classification Sherloc (09022015). Collection method: clinical testing. Allele origin: germline.
Comment: This sequence change replaces histidine, which is basic and polar, with tyrosine, which is neutral and polar, at codon 1449 of the ATR protein (p.His1449Tyr). This variant is present in population databases (rs376890858, gnomAD 0.0009%). This variant has not been reported in the literature in individuals affected with ATR-related conditions. ClinVar contains an entry for this variant (Variation ID: 1739881). An algorithm developed to predict the effect of missense changes on protein structure and function (PolyPhen-2) suggests that this variant is likely to be disruptive. In summary, the available evidence is currently insufficient to determine the role of this variant in disease. Therefore, it has been classified as a Variant of Uncertain Significance.

Ambry Genetics
Classification: Uncertain significance for Inborn genetic diseases. Last evaluated: 2021-08-25. Review status: criteria provided, single submitter. Criteria: Ambry Variant Classification Scheme 2023. Collection method: clinical testing. Allele origin: germline.
Comment: The p.H1449Y variant (also known as c.4345C>T), located in coding exon 24 of the ATR gene, results from a C to T substitution at nucleotide position 4345. The histidine at codon 1449 is replaced by tyrosine, an amino acid with similar properties. This amino acid position is conserved. In addition, this alteration is predicted to be tolerated by in silico analysis. Since supporting evidence is limited at this time, the clinical significance of this alteration remains unclear.